The following is an entry in ClinVar:

NM_001127644.2(GABRA1):c.865A>G (p.Thr289Ala)

Gene: GABRA1 (gamma-aminobutyric acid type A receptor subunit alpha1; plus strand). Cytogenetic location: 5q34.
Variant type: single nucleotide variant.
Coding change: c.865A>G on transcript NM_001127644.2 (MANE Select); coding-DNA position 865, A replaced by G.
Protein change: p.Thr289Ala; replaces threonine 289 with alanine.
Molecular consequence: missense variant.
Genome position (GRCh38, 1-based): chr5:161,895,674, A>G. VCF-style: chr5-161895674-A-G. GRCh37 (hg19) VCF-style: chr5-161322680-A-G.
Other names: c.865A>G, p.Thr289Ala (NM_000806.5, NM_001127643.2, NM_001127645.2 and 1 more transcripts); short protein forms T289A.
Identifiers: ClinVar variation 853851 (VCV000853851.45), dbSNP rs189199636, ClinGen allele CA362180083.
Genomic context (GRCh38, chr5:161,895,674, plus strand): 5'-GAAATTTCACAGTATGAACTGGCATCATGTATGTTTTTTTTTTTCTTTACAGGAGTAACA[A>G]CTGTGCTCACCATGACAACATTGAGCATCAGTGCCAGAAACTCCCTCCCTAAGGTGGCTT-3'
Protein context (NP_001121116.1, residues 279-299): VPARTVFGVT[Thr289Ala]VLTMTTLSIS

ClinVar aggregate classification (germline): Conflicting classifications of pathogenicity. Review status: criteria provided, conflicting classifications (1 of 4 stars). 5 submissions from 5 submitters: Pathogenic (2); Likely pathogenic (2); Uncertain significance (1). Last evaluated 2025-10-29.

Conditions:
Epilepsy, idiopathic generalized, susceptibility to, 13. Also called: EPILEPSY, JUVENILE MYOCLONIC, SUSCEPTIBILITY TO, 5. Identifiers: Orphanet 307, Orphanet 64280, MedGen C4013473, MONDO:0012627, OMIM 611136.
Epilepsy, childhood absence 4 (ECA4). Also called: EPILEPSY, CHILDHOOD ABSENCE, SUSCEPTIBILITY TO, 4. Identifiers: Orphanet 307, MedGen C1970160.
Idiopathic generalized epilepsy. Also called: EIG; Generalised epilepsy. Identifiers: MedGen C0270850, MONDO:0005579, OMIM 600669.
Developmental and epileptic encephalopathy, 19 (DEE19). Also called: Epileptic encephalopathy, early infantile, 19. Identifiers: Orphanet 33069, MedGen C3810400, MONDO:0014328, OMIM 615744.

Submissions (5):

3billion
Classification: Likely pathogenic for Developmental and epileptic encephalopathy, 19. Last evaluated: 2025-10-29. Review status: criteria provided, single submitter. Criteria: ACMG Guidelines, 2015. Collection method: clinical testing. Allele origin: germline. Affected: yes.
Comment: The variant is not observed in the gnomAD v4.1.0 dataset. Predicted Consequence/Location: Missense variant. Missense changes are a common disease-causing mechanism. In silico tool predictions suggest damaging effect of the variant on gene or gene product [REVEL: 0.92 (>=0.6, sensitivity 0.68 and specificity 0.92); 3Cnet: 0.99 (> 0.75, sensitivity 0.96 and precision 0.92)]. The same nucleotide change resulting in the same amino acid change has been previously reported as pathogenic/likely pathogenic with strong evidence (ClinVar ID: VCV000853851 /PMID: 27521439). A different missense change at the same codon (p.Thr289Pro) has been reported to be associated with GABRA1-related disorder (ClinVar ID: VCV003340284 /PMID: 27521439). Therefore, this variant is classified as Likely pathogenic according to the recommendation of ACMG/AMP guideline.

GeneDx
Classification: Pathogenic. Last evaluated: 2023-08-28. Review status: criteria provided, single submitter. Criteria: GeneDx Variant Classification Process June 2021. Collection method: clinical testing. Allele origin: germline. Affected: yes.
Comment: In silico analysis supports that this missense variant has a deleterious effect on protein structure/function; Not observed at significant frequency in large population cohorts (gnomAD); This variant is associated with the following publications: (PMID: 27521439)

Labcorp Genetics (formerly Invitae), Labcorp
Classification: Pathogenic for Epilepsy, childhood absence 4; Epilepsy, idiopathic generalized, susceptibility to, 13; Idiopathic generalized epilepsy. Last evaluated: 2023-03-24. Review status: criteria provided, single submitter. Criteria: Invitae Variant Classification Sherloc (09022015). Collection method: clinical testing. Allele origin: germline.
Comment: This sequence change replaces threonine, which is neutral and polar, with alanine, which is neutral and non-polar, at codon 289 of the GABRA1 protein (p.Thr289Ala). This variant is not present in population databases (gnomAD no frequency). This missense change has been observed in individuals with GABRA1-related conditions (PMID: 27521439; Invitae). ClinVar contains an entry for this variant (Variation ID: 853851). Advanced modeling of protein sequence and biophysical properties (such as structural, functional, and spatial information, amino acid conservation, physicochemical variation, residue mobility, and thermodynamic stability) performed at Invitae indicates that this missense variant is expected to disrupt GABRA1 protein function. This variant disrupts the p.Thr289 amino acid residue in GABRA1. Other variant(s) that disrupt this residue have been determined to be pathogenic (PMID: 27521439, 29186148). This suggests that this residue is clinically significant, and that variants that disrupt this residue are likely to be disease-causing. For these reasons, this variant has been classified as Pathogenic.

CeGaT Center for Human Genetics Tuebingen
Classification: Likely pathogenic. Last evaluated: 2021-10-01. Review status: criteria provided, single submitter. Criteria: CeGaT Center For Human Genetics Tuebingen Variant Classification Criteria Version 2. Collection method: clinical testing. Allele origin: germline. Affected: yes. Observed: 1 variant allele.

Blueprint Genetics
Classification: Uncertain significance. Last evaluated: 2020-09-02. Review status: criteria provided, single submitter. Criteria: ACMG Guidelines, 2015. Collection method: clinical testing. Allele origin: germline.

Literature cited by the submitters: PubMed 27521439 (cited by 3billion and Labcorp Genetics (formerly Invitae), Labcorp); PubMed 29186148 (cited by Labcorp Genetics (formerly Invitae), Labcorp).